The following is an entry in ClinVar:

ClinVar aggregate classification (germline): Conflicting classifications of pathogenicity. Review status: criteria provided, conflicting classifications (1 of 4 stars). 3 submissions from 1 submitter: Uncertain significance (1); Benign (2). Last evaluated 2018-01-12.

Conditions:
Ehlers-Danlos syndrome, arthrochalasia type. Also called: ARTHROCHALASIS MULTIPLEX CONGENITA; EDS VII, MUTANT PROCOLLAGEN TYPE; EDS VIIA; Ehlers-Danlos syndrome, arthrochalasia type, 1; Ehlers-Danlos syndrome, arthrochalasis type. Identifiers: Orphanet 1899, Orphanet 99875, Orphanet 99876, MedGen C4551623, MONDO:0007525, OMIM 130060.
Osteogenesis imperfecta (OI). Identifiers: Orphanet 666, MedGen C0029434, MeSH D010013, MONDO:0019019.
Infantile cortical hyperostosis. Also called: Caffey Disease; Hyperostosis, Cortical, Congenital; P1PK BLOOD GROUP SYSTEM, P(2) PHENOTYPE. Identifiers: Orphanet 1310, MedGen C0020497, MONDO:0007244, OMIM 114000.

Allele frequency attached by ClinVar (database versions not stated): gnomAD 0.00002 and 0.00010; TOPMed 0.00003; 1000 Genomes Project 0.00080; 1000 Genomes Project 30x 0.00094.
gnomAD v4.1: 93 of 1,485,418 alleles (0.0063%); highest among the groups gnomAD compares: East Asian, 0.055%; 1 homozygote.

Submissions (3):

Illumina Laboratory Services, Illumina
Classification: Benign for Osteogenesis imperfecta. Last evaluated: 2018-01-12. Review status: criteria provided, single submitter. Criteria: ICSL Variant Classification Criteria 13 December 2019. Collection method: clinical testing. Allele origin: germline.
Comment: This variant was observed in the ICSL laboratory as part of a predisposition screen in an ostensibly healthy population. It had not been previously curated by ICSL or reported in the Human Gene Mutation Database (HGMD: prior to June 1st, 2018), and was therefore a candidate for classification through an automated scoring system. Utilizing variant allele frequency, disease prevalence and penetrance estimates, and inheritance mode, an automated score was calculated to assess if this variant is too frequent to cause the disease. Based on the score and internal cut-off values, a variant classified as benign is not then subjected to further curation. The score for this variant resulted in a classification of benign for this disease.

Illumina Laboratory Services, Illumina
Classification: Uncertain significance for Infantile cortical hyperostosis. Last evaluated: 2018-01-12. Review status: criteria provided, single submitter. Criteria: ICSL Variant Classification Criteria 13 December 2019. Collection method: clinical testing. Allele origin: germline.

Illumina Laboratory Services, Illumina
Classification: Benign for Ehlers-Danlos syndrome, arthrochalasia type. Last evaluated: 2018-01-12. Review status: criteria provided, single submitter. Criteria: ICSL Variant Classification Criteria 13 December 2019. Collection method: clinical testing. Allele origin: germline.
Comment: the same text as in the submission from Illumina Laboratory Services, Illumina above.

NM_000088.4(COL1A1):c.*93A>G

Gene: COL1A1 (collagen type I alpha 1 chain; minus strand). Cytogenetic location: 17q21.33.
Variant type: single nucleotide variant.
Coding change: c.*93A>G on transcript NM_000088.4 (MANE Select); 93 bases downstream of the stop codon, A replaced by G.
Molecular consequence: 3 prime UTR variant.
Genome position (GRCh38, 1-based): chr17:50,185,409, T>C on the plus strand (A>G on the coding strand, the complement: COL1A1 is on the minus strand). VCF-style: chr17-50185409-T-C. GRCh37 (hg19) VCF-style: chr17-48262770-T-C.
Identifiers: ClinVar variation 889272 (VCV000889272.4), dbSNP rs367971695, ClinGen allele CA291542743.